The following is an entry in ClinVar:

NM_003998.4(NFKB1):c.1743_1750dup (p.Gln584fs)

Genes: NFKB1 (nuclear factor kappa B subunit 1; plus strand), LOC126807127 (CDK7 strongly-dependent group 2 enhancer GRCh37_chr4:103521788-103522987; plus strand). Cytogenetic location: 4q24.
Variant type: Duplication.
Coding change: c.1743_1750dup on transcript NM_003998.4 (MANE Select); coding-DNA positions 1743 to 1750, 8 bases duplicated (TCTGTACC; older notation c.1743_1750dupTCTGTACC).
Protein change: p.Gln584fs; shifts the reading frame from glutamine 584.
Molecular consequence: frameshift variant.
Genome position (GRCh38, 1-based): chr4:102,601,000-102,601,007, TCTGTACC duplicated. VCF-style (leftmost placement, unchanged base first): chr4-102600999-A-ATCTGTACC. GRCh37 (hg19) VCF-style: chr4-103522156-A-ATCTGTACC.
Other names: c.1740_1747dup, p.Gln583fs (NM_001165412.2, NM_001319226.2, NM_001382627.1); c.1743_1750dup, p.Gln584fs (NM_001382625.1, NM_001382626.1); c.1701_1708dup, p.Gln570fs (NM_001382628.1); short protein forms Q570fs, Q583fs, Q584fs.
Identifiers: ClinVar variation 2715341 (VCV002715341.3), dbSNP rs2476518062, ClinGen allele CA2697546823.

ClinVar aggregate classification (germline): Pathogenic (1 of 4 stars; one submission).

Submission:

Labcorp Genetics (formerly Invitae), Labcorp
Classification: Pathogenic. Last evaluated: 2023-06-14. Review status: criteria provided, single submitter. Criteria: Invitae Variant Classification Sherloc (09022015). Collection method: clinical testing. Allele origin: germline.
Comment: This variant has not been reported in the literature in individuals affected with NFKB1-related conditions. For these reasons, this variant has been classified as Pathogenic. This sequence change creates a premature translational stop signal (p.Gln584Leufs*11) in the NFKB1 gene. It is expected to result in an absent or disrupted protein product. Loss-of-function variants in NFKB1 are known to be pathogenic (PMID: 26279205, 29477724). This variant is not present in population databases (gnomAD no frequency).

Literature cited by the submitters: PubMed 26279205; PubMed 29477724.